The following is an entry in ClinVar:

ClinVar aggregate classification (germline): Conflicting classifications of pathogenicity. Review status: criteria provided, conflicting classifications (1 of 4 stars). 2 submissions from 2 submitters: Uncertain significance (1); Likely benign (1). Last evaluated 2023-03-23.

Conditions:
Hereditary cancer-predisposing syndrome. Also called: Tumor predisposition; Hereditary neoplastic syndrome; Neoplastic Syndromes, Hereditary; Hereditary Cancer Syndrome. Identifiers: Orphanet 140162, MedGen C0027672, MeSH D009386, MONDO:0015356.
Hereditary breast ovarian cancer syndrome. Also called: BRCA1- and BRCA2-Associated Hereditary Breast and Ovarian Cancer; Hereditary breast and ovarian cancer; Hereditary breast and/or ovarian cancer syndrome; Hereditary breast and ovarian cancer syndrome; Hereditary breast and ovarian cancer syndrome (HBOC); Breast and ovarian cancer. Identifiers: Orphanet 145, MedGen C0677776, MeSH D061325, MONDO:0003582. Disease mechanism: loss of function.

Submissions (2):

University of Washington Department of Laboratory Medicine, University of Washington
Classification: Likely benign for Hereditary cancer-predisposing syndrome. Last evaluated: 2023-03-23. Review status: criteria provided, single submitter. Criteria: Dines et al. (Genet Med. 2020). Collection method: curation. Allele origin: germline.
Comment: Missense variant in a coldspot region where missense variants are very unlikely to be pathogenic (PMID:31911673).

BRCA2 exon 11 coldspot. Reclassification based on statistical prior probability.

Labcorp Genetics (formerly Invitae), Labcorp
Classification: Uncertain significance for Hereditary breast ovarian cancer syndrome. Last evaluated: 2021-05-29. Review status: criteria provided, single submitter. Criteria: Invitae Variant Classification Sherloc (09022015). Collection method: clinical testing. Allele origin: germline.
Comment: In summary, the available evidence is currently insufficient to determine the role of this variant in disease. Therefore, it has been classified as a Variant of Uncertain Significance. This sequence change replaces alanine with proline at codon 1981 of the BRCA2 protein (p.Ala1981Pro). The alanine residue is highly conserved and there is a small physicochemical difference between alanine and proline. This variant is not present in population databases (ExAC no frequency). This variant has not been reported in the literature in individuals with BRCA2-related conditions. Advanced modeling of protein sequence and biophysical properties (such as structural, functional, and spatial information, amino acid conservation, physicochemical variation, residue mobility, and thermodynamic stability) performed at Invitae indicates that this missense variant is not expected to disrupt BRCA2 protein function.

NM_000059.4(BRCA2):c.5941G>C (p.Ala1981Pro)

Gene: BRCA2 (BRCA2 DNA repair associated; plus strand). Cytogenetic location: 13q13.1.
Variant type: single nucleotide variant.
Coding change: c.5941G>C on transcript NM_000059.4 (MANE Select); coding-DNA position 5941, G replaced by C.
Protein change: p.Ala1981Pro; replaces alanine 1981 with proline.
Molecular consequence: missense variant.
Genome position (GRCh38, 1-based): chr13:32,340,296, G>C. VCF-style: chr13-32340296-G-C. GRCh37 (hg19) VCF-style: chr13-32914433-G-C.
Other names: short protein forms A1981P.
Identifiers: ClinVar variation 1357182 (VCV001357182.9), dbSNP rs2137522505, ClinGen allele CA387787569.